The following is an entry in ClinVar:

NM_018341.3(ERMARD):c.960G>A (p.Glu320=)

Gene: ERMARD (ER membrane associated RNA degradation; plus strand). Cytogenetic location: 6q27.
Variant type: single nucleotide variant.
Coding change: c.960G>A on transcript NM_018341.3 (MANE Select); coding-DNA position 960, G replaced by A.
Protein change: p.Glu320=; no amino-acid change (glutamic acid 320 retained).
Molecular consequence: synonymous variant.
Genome position (GRCh38, 1-based): chr6:169,762,531, G>A. VCF-style: chr6-169762531-G-A. GRCh37 (hg19) VCF-style: chr6-170162627-G-A.
Other names: c.960G>A, p.Glu320= (NM_001278531.2, NM_001278533.2); c.582G>A, p.Glu194= (NM_001278532.2).
Identifiers: ClinVar variation 385841 (VCV000385841.14), dbSNP rs149649895, ClinGen allele CA4106052.

ClinVar aggregate classification (germline): Likely benign. Review status: criteria provided, multiple submitters, no conflicts (2 of 4 stars). 4 submissions from 4 submitters: Likely benign (3). 1 of the submissions does not count toward it. Last evaluated 2025-07-28.

Conditions:
ERMARD-related disorder. Also called: ERMARD-related condition.

Allele frequency attached by ClinVar (database versions not stated): gnomAD 0.00215 and 0.00231; gnomAD exomes 0.00020 and 0.00065; ExAC 0.00082; 1000 Genomes Project 0.00260; ESP Exome Variant Server 0.00277; TOPMed 0.00280; 1000 Genomes Project 30x 0.00297.
gnomAD v4.1: 665 of 1,611,430 alleles (0.041%); highest among the groups gnomAD compares: African/African-American, 0.66%; no homozygotes.

Submissions (4):

Labcorp Genetics (formerly Invitae), Labcorp
Classification: Likely benign. Last evaluated: 2025-07-28. Review status: criteria provided, single submitter. Criteria: Invitae Variant Classification Sherloc (09022015). Collection method: clinical testing. Allele origin: germline.

GeneDx
Classification: Likely benign. Last evaluated: 2018-03-01. Review status: criteria provided, single submitter. Criteria: GeneDx Variant Classification (06012015). Collection method: clinical testing. Allele origin: germline. Affected: yes.
Comment: This variant is considered likely benign or benign based on one or more of the following criteria: it is a conservative change, it occurs at a poorly conserved position in the protein, it is predicted to be benign by multiple in silico algorithms, and/or has population frequency not consistent with disease.

Breakthrough Genomics
Classification: Likely benign. Review status: criteria provided, single submitter. Criteria: ACMG Guidelines, 2015. Collection method: not provided. Allele origin: germline. Inheritance: Autosomal dominant inheritance. Affected: yes.

PreventionGenetics, part of Exact Sciences
Classification: Benign for ERMARD-related condition. Last evaluated: 2024-09-06. Review status: no assertion criteria provided. Collection method: clinical testing. Allele origin: germline. Not counted in ClinVar's aggregate classification.
Comment: This variant is classified as benign based on ACMG/AMP sequence variant interpretation guidelines (Richards et al. 2015 PMID: 25741868, with internal and published modifications).